The following is an entry in ClinVar:

NM_024598.4(USB1):c.468C>G (p.Asn156Lys)

Gene: USB1 (U6 snRNA biogenesis phosphodiesterase 1; plus strand). Cytogenetic location: 16q21.
Variant type: single nucleotide variant.
Coding change: c.468C>G on transcript NM_024598.4 (MANE Select); coding-DNA position 468, C replaced by G.
Protein change: p.Asn156Lys; replaces asparagine 156 with lysine.
Molecular consequence: missense variant. On other transcripts: intron variant (1).
Genome position (GRCh38, 1-based): chr16:58,014,291, C>G. VCF-style: chr16-58014291-C-G. GRCh37 (hg19) VCF-style: chr16-58048195-C-G.
Other names: c.315C>G, p.Asn105Lys (NM_001330568.2); c.450-3043C>G (NM_001195302.2); short protein forms N156K, N105K.
Identifiers: ClinVar variation 1897565 (VCV001897565.6), dbSNP rs372875085, ClinGen allele CA396129754.

ClinVar aggregate classification (germline): Uncertain significance. Review status: criteria provided, multiple submitters, no conflicts (2 of 4 stars). 2 submissions from 2 submitters: Uncertain significance (2). Last evaluated 2024-01-15.

gnomAD v4.1: 1 of 1,613,586 alleles (0.000062%); highest among the groups gnomAD compares: East Asian, 0.0022%; no homozygotes.

Submissions (2):

Labcorp Genetics (formerly Invitae), Labcorp
Classification: Uncertain significance. Last evaluated: 2024-01-15. Review status: criteria provided, single submitter. Criteria: Invitae Variant Classification Sherloc (09022015). Collection method: clinical testing. Allele origin: germline.
Comment: This sequence change replaces asparagine, which is neutral and polar, with lysine, which is basic and polar, at codon 156 of the USB1 protein (p.Asn156Lys). This variant is not present in population databases (gnomAD no frequency). This variant has not been reported in the literature in individuals affected with USB1-related conditions. ClinVar contains an entry for this variant (Variation ID: 1897565). Advanced modeling of protein sequence and biophysical properties (such as structural, functional, and spatial information, amino acid conservation, physicochemical variation, residue mobility, and thermodynamic stability) performed at Invitae indicates that this missense variant is not expected to disrupt USB1 protein function with a negative predictive value of 80%. In summary, the available evidence is currently insufficient to determine the role of this variant in disease. Therefore, it has been classified as a Variant of Uncertain Significance.

Blueprint Genetics
Classification: Uncertain significance. Last evaluated: 2018-06-29. Review status: criteria provided, single submitter. Criteria: ACMG Guidelines, 2015. Collection method: clinical testing. Allele origin: germline.